The following is an entry in ClinVar:

ClinVar aggregate classification (germline): Uncertain significance (1 of 4 stars; one submission).

Conditions:
Inborn genetic diseases. Identifiers: MedGen C0950123, MeSH D030342.

gnomAD v4.1: 15 of 1,614,140 alleles (0.00093%); highest among the groups gnomAD compares: Non-Finnish European, 0.0012%; no homozygotes.

Submission:

Ambry Genetics
Classification: Uncertain significance for Inborn genetic diseases. Last evaluated: 2025-01-08. Review status: criteria provided, single submitter. Criteria: Ambry Variant Classification Scheme 2023. Collection method: clinical testing. Allele origin: germline.
Comment: The p.V182L variant (also known as c.544G>C), located in coding exon 6 of the FANCA gene, results from a G to C substitution at nucleotide position 544. The valine at codon 182 is replaced by leucine, an amino acid with highly similar properties. This amino acid position is conserved. In addition, this alteration is predicted to be tolerated by in silico analysis. Based on the available evidence, the clinical significance of this variant remains unclear.

NM_000135.4(FANCA):c.544G>C (p.Val182Leu)

Gene: FANCA (FA complementation group A; minus strand). Cytogenetic location: 16q24.3.
Variant type: single nucleotide variant.
Coding change: c.544G>C on transcript NM_000135.4 (MANE Select); coding-DNA position 544, G replaced by C.
Protein change: p.Val182Leu; replaces valine 182 with leucine.
Molecular consequence: missense variant.
Genome position (GRCh38, 1-based): chr16:89,808,346, C>G on the plus strand (G>C on the coding strand, the complement: FANCA is on the minus strand). VCF-style: chr16-89808346-C-G. GRCh37 (hg19) VCF-style: chr16-89874754-C-G.
Other names: c.544G>C, p.Val182Leu (NM_001018112.3, NM_001286167.3); c.448G>C, p.Val150Leu (NM_001351830.2); short protein forms V182L, V150L.
Identifiers: ClinVar variation 3848096 (VCV003848096.1).
Genomic context (GRCh38, chr16:89,808,346, plus strand): 5'-CACGCTACCTTTCCAGCAGCTCTTGCAGGCTCACAATGCCTTGTACGTGAAGATGCCACA[C>G]CGCTTCAAGCAACAAAGAACTCTGAAAAACAAAACAAAACAAACAAAAACAAAAACAAAA-3'
Protein context (NP_000126.2, residues 172-192): KIQSSLLLEA[Val182Leu]WHLHVQGIVS